The following is an entry in ClinVar:

NM_001286.5(CLCN6):c.182A>T (p.Tyr61Phe)

Gene: CLCN6 (Cl-/H+ antiporter 6; plus strand). Cytogenetic location: 1p36.22.
Variant type: single nucleotide variant.
Coding change: c.182A>T on transcript NM_001286.5 (MANE Select); coding-DNA position 182, A replaced by T.
Protein change: p.Tyr61Phe; replaces tyrosine 61 with phenylalanine.
Molecular consequence: missense variant. On other transcripts: non-coding transcript variant (1), intron variant (1).
Genome position (GRCh38, 1-based): chr1:11,815,880, A>T. VCF-style: chr1-11815880-A-T. GRCh37 (hg19) VCF-style: chr1-11875937-A-T.
Other names: c.148-735A>T (NM_001256959.2); short protein forms Y61F.
Identifiers: ClinVar variation 3611361 (VCV003611361.2).

ClinVar aggregate classification (germline): Uncertain significance (1 of 4 stars; one submission).

Submission:

Labcorp Genetics (formerly Invitae), Labcorp
Classification: Uncertain significance. Last evaluated: 2025-09-08. Review status: criteria provided, single submitter. Criteria: Invitae Variant Classification Sherloc (09022015). Collection method: clinical testing. Allele origin: germline.
Comment: This sequence change replaces tyrosine, which is neutral and polar, with phenylalanine, which is neutral and non-polar, at codon 61 of the CLCN6 protein (p.Tyr61Phe). This variant is not present in population databases (gnomAD no frequency). This variant has not been reported in the literature in individuals affected with CLCN6-related conditions. ClinVar contains an entry for this variant (Variation ID: 3611361). An algorithm developed to predict the effect of missense changes on protein structure and function (PolyPhen-2) suggests that this variant is likely to be tolerated. In summary, the available evidence is currently insufficient to determine the role of this variant in disease. Therefore, it has been classified as a Variant of Uncertain Significance.